The following is an entry in ClinVar:

NM_198578.4(LRRK2):c.7544A>G (p.Lys2515Arg)

Gene: LRRK2 (leucine rich repeat kinase 2; plus strand). Cytogenetic location: 12q12.
Variant type: single nucleotide variant.
Coding change: c.7544A>G on transcript NM_198578.4 (MANE Select); coding-DNA position 7544, A replaced by G.
Protein change: p.Lys2515Arg; replaces lysine 2515 with arginine.
Molecular consequence: missense variant.
Genome position (GRCh38, 1-based): chr12:40,367,725, A>G. VCF-style: chr12-40367725-A-G. GRCh37 (hg19) VCF-style: chr12-40761527-A-G.
Other names: short protein forms K2515R.
Identifiers: ClinVar variation 2562425 (VCV002562425.2), dbSNP rs750043939, ClinGen allele CA6514977.

ClinVar aggregate classification (germline): Uncertain significance (1 of 4 stars; one submission).

Conditions:
Inborn genetic diseases. Identifiers: MedGen C0950123, MeSH D030342.

Allele frequency attached by ClinVar (database versions not stated): ExAC 0.00001.
gnomAD v4.1: 8 of 1,605,164 alleles (0.0005%); highest among the groups gnomAD compares: Non-Finnish European, 0.00068%; no homozygotes.

Submission:

Ambry Genetics
Classification: Uncertain significance for Inborn genetic diseases. Last evaluated: 2023-05-15. Review status: criteria provided, single submitter. Criteria: Ambry Variant Classification Scheme 2023. Collection method: clinical testing. Allele origin: germline.
Comment: The p.K2515R variant (also known as c.7544A>G), located in coding exon 51 of the LRRK2 gene, results from an A to G substitution at nucleotide position 7544. The lysine at codon 2515 is replaced by arginine, an amino acid with highly similar properties. This amino acid position is conserved. In addition, this alteration is predicted to be tolerated by in silico analysis. Since supporting evidence is limited at this time, the clinical significance of this alteration remains unclear.